The following is an entry in ClinVar:

NM_001039.4(SCNN1G):c.1868C>T (p.Pro623Leu)

Gene: SCNN1G (sodium channel epithelial 1 subunit gamma; plus strand). Cytogenetic location: 16p12.2.
Variant type: single nucleotide variant.
Coding change: c.1868C>T on transcript NM_001039.4 (MANE Select); coding-DNA position 1868, C replaced by T.
Protein change: p.Pro623Leu; replaces proline 623 with leucine.
Molecular consequence: missense variant.
Genome position (GRCh38, 1-based): chr16:23,215,387, C>T. VCF-style: chr16-23215387-C-T. GRCh37 (hg19) VCF-style: chr16-23226708-C-T.
Other names: short protein forms P623L.
Identifiers: ClinVar variation 2184220 (VCV002184220.5), dbSNP rs72647542, ClinGen allele CA7959989.

ClinVar aggregate classification (germline): Uncertain significance. Review status: criteria provided, multiple submitters, no conflicts (2 of 4 stars). 2 submissions from 2 submitters: Uncertain significance (2). Last evaluated 2024-03-29.

Conditions:
Bronchiectasis with or without elevated sweat chloride 3 (BESC3). Identifiers: Orphanet 60033, MedGen C2751324, MONDO:0013112, OMIM 613071.
Pseudohypoaldosteronism, type IB3, autosomal recessive (PHA1B3). Identifiers: MedGen C5774256, MONDO:0859318, OMIM 620126.
Liddle syndrome 2. Identifiers: MedGen C4748251, MONDO:0020854, OMIM 618114.

Allele frequency attached by ClinVar (database versions not stated): gnomAD 0.00001; TOPMed 0.00001; ExAC 0.00002; gnomAD exomes 0.00002; 1000 Genomes Project 30x 0.00016.

Submissions (2):

Fulgent Genetics
Classification: Uncertain significance for Bronchiectasis with or without elevated sweat chloride 3; Liddle syndrome 2; Pseudohypoaldosteronism, type IB3, autosomal recessive. Last evaluated: 2024-03-29. Review status: criteria provided, single submitter. Criteria: ACMG Guidelines, 2015. Collection method: clinical testing. Allele origin: germline.

Labcorp Genetics (formerly Invitae), Labcorp
Classification: Uncertain significance. Last evaluated: 2023-03-18. Review status: criteria provided, single submitter. Criteria: Invitae Variant Classification Sherloc (09022015). Collection method: clinical testing. Allele origin: germline.
Comment: This sequence change replaces proline, which is neutral and non-polar, with leucine, which is neutral and non-polar, at codon 623 of the SCNN1G protein (p.Pro623Leu). This variant is present in population databases (rs72647542, gnomAD 0.01%). This missense change has been observed in individual(s) with SCNN1G-related conditions (PMID: 23149595). ClinVar contains an entry for this variant (Variation ID: 2184220). An algorithm developed to predict the effect of missense changes on protein structure and function (PolyPhen-2) suggests that this variant is likely to be disruptive. In summary, the available evidence is currently insufficient to determine the role of this variant in disease. Therefore, it has been classified as a Variant of Uncertain Significance.

Literature cited by the submitters: PubMed 23149595 (cited by Labcorp Genetics (formerly Invitae), Labcorp).